The following is an entry in ClinVar:

NM_001365792.1(DAB1):c.621C>T (p.His207=)

Gene: DAB1 (DAB adaptor protein 1; minus strand). Cytogenetic location: 1p32.2.
Variant type: single nucleotide variant.
Coding change: c.621C>T on transcript NM_001365792.1 (MANE Select); coding-DNA position 621, C replaced by T.
Protein change: p.His207=; no amino-acid change (histidine 207 retained).
Molecular consequence: synonymous variant.
Genome position (GRCh38, 1-based): chr1:57,069,402, G>A on the plus strand (C>T on the coding strand, the complement: DAB1 is on the minus strand). VCF-style: chr1-57069402-G-A. GRCh37 (hg19) VCF-style: chr1-57535075-G-A.
Other names: c.621C>T, p.His207= (NM_001353983.2, NM_001353985.2, NM_001353986.2 and 4 more transcripts).
Identifiers: ClinVar variation 717645 (VCV000717645.11), dbSNP rs200048299, ClinGen allele CA876507.

ClinVar aggregate classification (germline): Benign/Likely benign. Review status: criteria provided, multiple submitters, no conflicts (2 of 4 stars). 2 submissions from 2 submitters: Benign (1); Likely benign (1). Last evaluated 2025-12-01.

Allele frequency attached by ClinVar (database versions not stated): TOPMed 0.00033; gnomAD 0.00067 and 0.00072.
gnomAD v4.1: 664 of 1,613,242 alleles (0.041%); highest among the groups gnomAD compares: Non-Finnish European, 0.037%; 3 homozygotes.

Submissions (2):

CeGaT Center for Human Genetics Tuebingen
Classification: Likely benign. Last evaluated: 2025-12-01. Review status: criteria provided, single submitter. Criteria: CeGaT Center For Human Genetics Tuebingen Variant Classification Criteria Version 2. Collection method: clinical testing. Allele origin: germline. Affected: yes. Observed: 2 variant alleles.
Comment: DAB1: BP4, BP7

Labcorp Genetics (formerly Invitae), Labcorp
Classification: Benign. Last evaluated: 2019-12-31. Review status: criteria provided, single submitter. Criteria: Invitae Variant Classification Sherloc (09022015). Collection method: clinical testing. Allele origin: germline.